The following is an entry in ClinVar:

ClinVar aggregate classification (germline): Uncertain significance. Review status: criteria provided, multiple submitters, no conflicts (2 of 4 stars). 3 submissions from 3 submitters: Uncertain significance (3). Last evaluated 2024-03-01.

Conditions:
Inborn genetic diseases. Identifiers: MedGen C0950123, MeSH D030342.

Allele frequency attached by ClinVar (database versions not stated): gnomAD 0.00002; TOPMed 0.00002; ExAC 0.00004; gnomAD exomes 0.00005.
gnomAD v4.1: 69 of 1,613,952 alleles (0.0043%); highest among the groups gnomAD compares: Non-Finnish European, 0.0056%; no homozygotes.

Submissions (3):

Ambry Genetics
Classification: Uncertain significance for Inborn genetic diseases. Last evaluated: 2024-03-01. Review status: criteria provided, single submitter. Criteria: Ambry Variant Classification Scheme 2023. Collection method: clinical testing. Allele origin: germline.

Blueprint Genetics
Classification: Uncertain significance. Last evaluated: 2023-03-08. Review status: criteria provided, single submitter. Criteria: ACMG Guidelines, 2015. Collection method: clinical testing. Allele origin: germline.

Labcorp Genetics (formerly Invitae), Labcorp
Classification: Uncertain significance. Last evaluated: 2022-03-27. Review status: criteria provided, single submitter. Criteria: Invitae Variant Classification Sherloc (09022015). Collection method: clinical testing. Allele origin: germline.
Comment: In summary, the available evidence is currently insufficient to determine the role of this variant in disease. Therefore, it has been classified as a Variant of Uncertain Significance. Algorithms developed to predict the effect of missense changes on protein structure and function are either unavailable or do not agree on the potential impact of this missense change (SIFT: "Tolerated"; PolyPhen-2: "Probably Damaging"; Align-GVGD: "Class C0"). This variant has not been reported in the literature in individuals affected with VPS13D-related conditions. This variant is present in population databases (rs773576492, gnomAD 0.005%). This sequence change replaces glutamic acid, which is acidic and polar, with lysine, which is basic and polar, at codon 3225 of the VPS13D protein (p.Glu3225Lys).

NM_015378.4(VPS13D):c.9673G>A (p.Glu3225Lys)

Gene: VPS13D (vacuolar protein sorting 13 homolog D; plus strand). Cytogenetic location: 1p36.22.
Variant type: single nucleotide variant.
Coding change: c.9673G>A on transcript NM_015378.4 (MANE Select); coding-DNA position 9673, G replaced by A.
Protein change: p.Glu3225Lys; replaces glutamic acid 3225 with lysine.
Molecular consequence: missense variant.
Genome position (GRCh38, 1-based): chr1:12,354,215, G>A. VCF-style: chr1-12354215-G-A. GRCh37 (hg19) VCF-style: chr1-12414272-G-A.
Other names: c.9598G>A, p.Glu3200Lys (NM_018156.4); c.9673G>A (NM_015378.2); short protein forms E3225K, E3200K.
Identifiers: ClinVar variation 2041469 (VCV002041469.6), dbSNP rs773576492, ClinGen allele CA603471.